The following is an entry in ClinVar:

ClinVar aggregate classification (germline): Uncertain significance (1 of 4 stars; one submission).

gnomAD v4.1: 3 of 1,568,844 alleles (0.00019%); highest among the groups gnomAD compares: South Asian, 0.0012%; no homozygotes.

Submission:

GeneDx
Classification: Uncertain significance. Last evaluated: 2022-07-01. Review status: criteria provided, single submitter. Criteria: GeneDx Variant Classification Process June 2021. Collection method: clinical testing. Allele origin: germline. Affected: yes.
Comment: In silico analysis supports a deleterious effect on splicing; In silico analysis supports that this missense variant does not alter protein structure/function; Has not been previously published as pathogenic or benign to our knowledge

NM_020719.3(PRR12):c.5369A>G (p.Lys1790Arg)

Gene: PRR12 (proline rich 12; plus strand). Cytogenetic location: 19q13.33.
Variant type: single nucleotide variant.
Coding change: c.5369A>G on transcript NM_020719.3 (MANE Select); coding-DNA position 5369, A replaced by G.
Protein change: p.Lys1790Arg; replaces lysine 1790 with arginine.
Molecular consequence: missense variant.
Genome position (GRCh38, 1-based): chr19:49,616,091, A>G. VCF-style: chr19-49616091-A-G. GRCh37 (hg19) VCF-style: chr19-50119348-A-G.
Other names: short protein forms K1790R.
Identifiers: ClinVar variation 1810006 (VCV001810006.1), dbSNP rs1190605258, ClinGen allele CA406837819.